The following is an entry in ClinVar:

ClinVar aggregate classification (germline): Uncertain significance (1 of 4 stars; one submission).

Submission:

Labcorp Genetics (formerly Invitae), Labcorp
Classification: Uncertain significance. Last evaluated: 2025-10-05. Review status: criteria provided, single submitter. Criteria: Invitae Variant Classification Sherloc (09022015). Collection method: clinical testing. Allele origin: germline.
Comment: This sequence change replaces valine, which is neutral and non-polar, with isoleucine, which is neutral and non-polar, at codon 12 of the IKZF1 protein (p.Val12Ile). This variant is not present in population databases (gnomAD no frequency). This variant has not been reported in the literature in individuals affected with IKZF1-related conditions. An algorithm developed to predict the effect of missense changes on protein structure and function outputs the following: PolyPhen-2: "Benign". The isoleucine amino acid residue is found in multiple mammalian species, which suggests that this missense change does not adversely affect protein function. In summary, the available evidence is currently insufficient to determine the role of this variant in disease. Therefore, it has been classified as a Variant of Uncertain Significance.

NM_006060.6(IKZF1):c.34G>A (p.Val12Ile)

Gene: IKZF1 (IKAROS family zinc finger 1; plus strand). Cytogenetic location: 7p12.2.
Variant type: single nucleotide variant.
Coding change: c.34G>A on transcript NM_006060.6 (MANE Select); coding-DNA position 34, G replaced by A.
Protein change: p.Val12Ile; replaces valine 12 with isoleucine.
Molecular consequence: missense variant.
Genome position (GRCh38, 1-based): chr7:50,319,095, G>A. VCF-style: chr7-50319095-G-A. GRCh37 (hg19) VCF-style: chr7-50358691-G-A.
Other names: c.34G>A, p.Val12Ile (NM_001220765.3, NM_001220767.2, NM_001220768.2 and 14 more transcripts); short protein forms V12I.
Identifiers: ClinVar variation 4710229 (VCV004710229.1).
Genomic context (GRCh38, chr7:50,319,095, plus strand): 5'-CTCTCTTTCTCAGATAACCTGAGGACCATGGATGCTGATGAGGGTCAAGACATGTCCCAA[G>A]TTTCAGGTGAGACCTTATGAGATAGCTGTGTGGGAAGTTCATGAGAAAAGCTTCCCTGGG-3'
Protein context (NP_006051.1, residues 2-22): DADEGQDMSQ[Val12Ile]SGKESPPVSD